The following is an entry in ClinVar:

ClinVar aggregate classification (germline): Uncertain significance (1 of 4 stars; one submission).

Submission:

GeneDx
Classification: Uncertain significance. Last evaluated: 2025-09-10. Review status: criteria provided, single submitter. Criteria: GeneDx Variant Classification Process June 2021. Collection method: clinical testing. Allele origin: germline. Affected: yes.
Comment: In silico analysis supports a deleterious effect on splicing; Has not been previously published as pathogenic or benign to our knowledge; No data available from control populations to assess the frequency of this variant; Located in a regulatory region; in the absence of functional studies, the actual effect of this sequence change is unknown

NM_001349338.3(FOXP1):c.-12+1G>A

Genes: FOXP1 (forkhead box P1; minus strand), FOXP1-AS1 (FOXP1 antisense RNA 1; plus strand). Cytogenetic location: 3p13.
Variant type: single nucleotide variant.
Coding change: c.-12+1G>A on transcript NM_001349338.3 (MANE Select); the canonical splice donor site of the intron after 12 bases upstream of the start codon, G replaced by A.
Molecular consequence: splice donor variant.
Genome position (GRCh38, 1-based): chr3:71,299,819, C>T on the plus strand (G>A on the coding strand, the complement: FOXP1 is on the minus strand). VCF-style: chr3-71299819-C-T. GRCh37 (hg19) VCF-style: chr3-71348970-C-T.
Other names: c.-12+1G>A (NM_001244810.2, NM_032682.6, NM_001349340.3 and 5 more transcripts).
Identifiers: ClinVar variation 4813376 (VCV004813376.1).